The following is an entry in ClinVar:

ClinVar aggregate classification (germline): Uncertain significance. Review status: criteria provided, multiple submitters, no conflicts (2 of 4 stars). 4 submissions from 4 submitters: Uncertain significance (3). 1 of the submissions does not count toward it. Last evaluated 2025-08-01.

Conditions:
Inborn genetic diseases. Identifiers: MedGen C0950123, MeSH D030342.
Zellweger spectrum disorders (ZS). Also called: Zellweger Spectrum Disorder (ZSD); Zellweger Spectrum Disorder; Zellweger Spectrum; Zellweger syndrome. Identifiers: Orphanet 912, MedGen C0043459, MONDO:0019609.

Allele frequency attached by ClinVar (database versions not stated): gnomAD 0.00003; TOPMed 0.00005.
gnomAD v4.1: 12 of 1,603,764 alleles (0.00075%); highest among the groups gnomAD compares: East Asian, 0.0022%; no homozygotes.

Submissions (4):

Ambry Genetics
Classification: Uncertain significance for Inborn genetic diseases. Last evaluated: 2025-08-01. Review status: criteria provided, single submitter. Criteria: Ambry Variant Classification Scheme 2023. Collection method: clinical testing. Allele origin: germline.

Labcorp Genetics (formerly Invitae), Labcorp
Classification: Uncertain significance for Zellweger spectrum disorders. Last evaluated: 2022-08-16. Review status: criteria provided, single submitter. Criteria: Invitae Variant Classification Sherloc (09022015). Collection method: clinical testing. Allele origin: germline.
Comment: This sequence change replaces glutamic acid, which is acidic and polar, with alanine, which is neutral and non-polar, at codon 747 of the PEX1 protein (p.Glu747Ala). This variant is not present in population databases (gnomAD no frequency). This variant has not been reported in the literature in individuals affected with PEX1-related conditions. ClinVar contains an entry for this variant (Variation ID: 842882). Algorithms developed to predict the effect of missense changes on protein structure and function are either unavailable or do not agree on the potential impact of this missense change (SIFT: "Deleterious"; PolyPhen-2: "Benign"; Align-GVGD: "Class C0"). In summary, the available evidence is currently insufficient to determine the role of this variant in disease. Therefore, it has been classified as a Variant of Uncertain Significance.

Blueprint Genetics
Classification: Uncertain significance. Last evaluated: 2021-12-11. Review status: criteria provided, single submitter. Criteria: ACMG Guidelines, 2015. Collection method: clinical testing. Allele origin: germline.

Natera, Inc.
Classification: Uncertain significance for Zellweger syndrome. Last evaluated: 2018-09-29. Review status: no assertion criteria provided. Collection method: clinical testing. Allele origin: germline. Not counted in ClinVar's aggregate classification.

NM_000466.3(PEX1):c.2240A>C (p.Glu747Ala)

Gene: PEX1 (peroxisomal biogenesis factor 1; minus strand). Cytogenetic location: 7q21.2.
Variant type: single nucleotide variant.
Coding change: c.2240A>C on transcript NM_000466.3 (MANE Select); coding-DNA position 2240, A replaced by C.
Protein change: p.Glu747Ala; replaces glutamic acid 747 with alanine.
Molecular consequence: missense variant.
Genome position (GRCh38, 1-based): chr7:92,502,066, T>G on the plus strand (A>C on the coding strand, the complement: PEX1 is on the minus strand). VCF-style: chr7-92502066-T-G. GRCh37 (hg19) VCF-style: chr7-92131380-T-G.
Other names: c.2069A>C, p.Glu690Ala (NM_001282677.2); c.1616A>C, p.Glu539Ala (NM_001282678.2); short protein forms E539A, E690A, E747A.
Identifiers: ClinVar variation 842882 (VCV000842882.8), dbSNP rs200207576, ClinGen allele CA4341171.
Genomic context (GRCh38, chr7:92,502,066, plus strand): 5'-AGATCGGTGAACTTGTTTATATCACAGTCCAATTTATTTTTTATTACATTACACAGAATT[T>G]CACATCTTTGTTCCTAAAGAAAAAAACACAAAATTCGAATTTCCAATTGTATTCAACTGT-3'
Protein context (NP_000457.1, residues 737-757): IQPPNQEQRC[Glu747Ala]ILCNVIKNKL